The following is an entry in ClinVar:

ClinVar aggregate classification (germline): Uncertain significance (1 of 4 stars; one submission).

Conditions:
Atypical hemolytic-uremic syndrome with MCP/CD46 anomaly. Also called: HEMOLYTIC UREMIC SYNDROME, ATYPICAL, SUSCEPTIBILITY TO, 2; AHUS, SUSCEPTIBILITY TO, 2. Identifiers: Orphanet 2134, MedGen C2752040, MONDO:0013040, OMIM 612922.

Submission:

MVZ Medizinische Genetik Mainz
Classification: Uncertain significance for Atypical hemolytic-uremic syndrome with MCP/CD46 anomaly. Last evaluated: 2023-03-03. Review status: criteria provided, single submitter. Criteria: UK Practice Guidelines For Variant Classification V4 01 2020. Collection method: clinical testing. Allele origin: germline. Inheritance: Autosomal dominant inheritance. Affected: yes. Observed: 1 variant allele.
Comment: ACMG Criteria: PM1, PM2_SUP

NM_172351.3(CD46):c.548A>G (p.Tyr183Cys)

Gene: CD46 (CD46 molecule; plus strand). Cytogenetic location: 1q32.2.
Variant type: single nucleotide variant.
Coding change: c.548A>G on transcript NM_172351.3 (MANE Select); coding-DNA position 548, A replaced by G.
Protein change: p.Tyr183Cys; replaces tyrosine 183 with cysteine.
Molecular consequence: missense variant.
Genome position (GRCh38, 1-based): chr1:207,761,321, A>G. VCF-style: chr1-207761321-A-G. GRCh37 (hg19) VCF-style: chr1-207934666-A-G.
Other names: c.548A>G, p.Tyr183Cys (NM_002389.4, NM_153826.4, NM_172350.3 and 8 more transcripts); short protein forms Y183C.
Identifiers: ClinVar variation 3236022 (VCV003236022.1), dbSNP rs2526458582, ClinGen allele CA344548938.